The following is an entry in ClinVar:

ClinVar aggregate classification (germline): Conflicting classifications of pathogenicity. Review status: criteria provided, conflicting classifications (1 of 4 stars). 2 submissions from 2 submitters: Likely pathogenic (1); Uncertain significance (1). Last evaluated 2025-01-13.

Conditions:
Hereditary cancer-predisposing syndrome. Also called: Neoplastic Syndromes, Hereditary; Tumor predisposition; Hereditary neoplastic syndrome; Hereditary Cancer Syndrome. Identifiers: Orphanet 140162, MedGen C0027672, MeSH D009386, MONDO:0015356.
Hereditary nonpolyposis colorectal neoplasms. Identifiers: MedGen C0009405, MeSH D003123.

Submissions (2):

Ambry Genetics
Classification: Likely pathogenic for Hereditary cancer-predisposing syndrome. Last evaluated: 2025-01-13. Review status: criteria provided, single submitter. Criteria: Ambry Variant Classification Scheme 2023. Collection method: clinical testing. Allele origin: germline.
Comment: The c.3936_3953del18 variant (also known as p.I1313_R1318del) is located in coding exon 9 of the MSH6 gene. This variant results from an in-frame deletion of 18 nucleotides (TATTCAAAAGGGACATAG) at positions 3936 to 3953. This results in the in-frame deletion of 6 amino acids (IQKGHR) at codons 1313 to 1318. This amino acid region is well conserved in available vertebrate species and the impacted region is critical for protein function (Ambry internal data). This variant is considered to be rare based on population cohorts in the Genome Aggregation Database (gnomAD). In addition, this alteration is predicted to be deleterious by in silico analysis (Choi Y et al. PLoS ONE. 2012; 7(10):e46688). Based on the majority of available evidence to date, this variant is likely to be pathogenic.

Labcorp Genetics (formerly Invitae), Labcorp
Classification: Uncertain significance for Hereditary nonpolyposis colorectal neoplasms. Last evaluated: 2024-04-10. Review status: criteria provided, single submitter. Criteria: Invitae Variant Classification Sherloc (09022015). Collection method: clinical testing. Allele origin: germline.
Comment: This variant, c.3936_3953del, results in the deletion of 6 amino acid(s) of the MSH6 protein (p.Ile1313_Arg1318del), but otherwise preserves the integrity of the reading frame. This variant is not present in population databases (gnomAD no frequency). This variant has not been reported in the literature in individuals affected with MSH6-related conditions. Experimental studies and prediction algorithms are not available or were not evaluated, and the functional significance of this variant is currently unknown. This variant disrupts a region of the MSH6 protein in which other variant(s) (p.Gly1316Arg) have been observed in individuals with MSH6-related conditions (PMID: 24440087). This suggests that this is a clinically significant region of the protein, and that variants that disrupt it are likely to be disease-causing. In summary, the available evidence is currently insufficient to determine the role of this variant in disease. Therefore, it has been classified as a Variant of Uncertain Significance.

Literature cited by the submitters: PubMed 24440087 (cited by Labcorp Genetics (formerly Invitae), Labcorp).

NM_000179.3(MSH6):c.3936_3953del (p.Ile1313_Arg1318del)

Gene: MSH6 (mutS homolog 6; plus strand). Cytogenetic location: 2p16.3.
Variant type: Deletion.
Coding change: c.3936_3953del on transcript NM_000179.3 (MANE Select); coding-DNA positions 3936 to 3953, 18 bases deleted (TATTCAAAAGGGACATAG).
Protein change: p.Ile1313_Arg1318del.
Molecular consequence: nonsense (on NM_001406800.1). On other transcripts: non-coding transcript variant (5), intron variant (1).
Genome position (GRCh38, 1-based): chr2:47,806,586-47,806,603, TATTCAAAAGGGACATAG deleted. VCF-style (leftmost placement, unchanged base first): chr2-47806585-TTATTCAAAAGGGACATAG-T. GRCh37 (hg19) VCF-style: chr2-48033724-TTATTCAAAAGGGACATAG-T.
Other names: c.3546_3563del, p.Ile1183_Arg1188del (NM_001281492.2); c.3030_3047del, p.Ile1011_Arg1016del (NM_001281493.2, NM_001281494.2, NM_001406811.1 and 6 more transcripts); c.4032_4049del, p.Ile1345_Arg1350del (NM_001406795.1); c.3936_3953del, p.Ile1313_Arg1318del (NM_001406796.1, NM_001406808.1, NM_001406809.1); c.3639_3656del, p.Ile1214_Arg1219del (NM_001406797.1, NM_001406801.1, NM_001406805.1 and 10 more transcripts); c.3762_3779del, p.Ile1255_Arg1260del (NM_001406798.1); c.3411_3428del, p.Ile1138_Arg1143del (NM_001406799.1, NM_001406806.1, NM_001406807.1); c.3923_3940del, p.Leu1308_Glu1314delinsTer (NM_001406800.1); and 9 more.
Identifiers: ClinVar variation 3649126 (VCV003649126.3).
Genomic context (GRCh38, chr2:47,806,585, plus strand): 5'-GAGCTTGTCCTAAAAGCTATGGCTTTAATGCAGCAAGGCTTGCTAATCTCCCAGAGGAAG[TTATTCAAAAGGGACATAG>T]AAAAGCAAGAGAATTTGAGAAGATGAATCAGTCACTACGATTATTTCGGTAACTAACTAA-3'